The following is an entry in ClinVar:

ClinVar aggregate classification (germline): Uncertain significance. Review status: criteria provided, multiple submitters, no conflicts (2 of 4 stars). 4 submissions from 4 submitters: Uncertain significance (4). Last evaluated 2025-10-02.

Conditions:
Autosomal recessive ataxia, Beauce type. Also called: SYNE1 Deficiency; Spinocerebellar ataxia, autosomal recessive 8; ATAXIA, RECESSIVE, OF BEAUCE; SYNE1-Related Autosomal Recessive Cerebellar Ataxia. Identifiers: Orphanet 88644, MedGen C1853116, MONDO:0012549, OMIM 610743.
Emery-Dreifuss muscular dystrophy 4, autosomal dominant (EDMD4). Also called: EMERY-DREIFUSS MUSCULAR DYSTROPHY 4 WITH VARIABLE FEATURES. Identifiers: Orphanet 261, MedGen C2751807, MONDO:0013071, OMIM 612998.

Allele frequency attached by ClinVar (database versions not stated): gnomAD 0.00003 and 0.00004; ExAC 0.00002; TOPMed 0.00004; gnomAD exomes 0.00002.
gnomAD v4.1: 82 of 1,614,016 alleles (0.0051%); highest among the groups gnomAD compares: Non-Finnish European, 0.0068%; no homozygotes.

Submissions (4):

Labcorp Genetics (formerly Invitae), Labcorp
Classification: Uncertain significance for Emery-Dreifuss muscular dystrophy 4, autosomal dominant; Autosomal recessive ataxia, Beauce type. Last evaluated: 2025-10-02. Review status: criteria provided, single submitter. Criteria: Invitae Variant Classification Sherloc (09022015). Collection method: clinical testing. Allele origin: germline.
Comment: This sequence change replaces glycine, which is neutral and non-polar, with glutamic acid, which is acidic and polar, at codon 8712 of the SYNE1 protein (p.Gly8712Glu). This variant is present in population databases (rs747635401, gnomAD 0.005%). This variant has not been reported in the literature in individuals affected with SYNE1-related conditions. ClinVar contains an entry for this variant (Variation ID: 962272). An algorithm developed to predict the effect of missense changes on protein structure and function (PolyPhen-2) suggests that this variant is likely to be disruptive. In summary, the available evidence is currently insufficient to determine the role of this variant in disease. Therefore, it has been classified as a Variant of Uncertain Significance.

GeneDx
Classification: Uncertain significance. Last evaluated: 2024-06-12. Review status: criteria provided, single submitter. Criteria: GeneDx Variant Classification Process June 2021. Collection method: clinical testing. Allele origin: germline. Affected: yes.
Comment: In silico analysis supports that this missense variant has a deleterious effect on protein structure/function; Has not been previously published as pathogenic or benign to our knowledge

Revvity Omics, Revvity
Classification: Uncertain significance. Last evaluated: 2023-06-22. Review status: criteria provided, single submitter. Criteria: ACMG Guidelines, 2015. Collection method: clinical testing. Allele origin: germline.

Athena Diagnostics
Classification: Uncertain significance. Last evaluated: 2023-01-18. Review status: criteria provided, single submitter. Criteria: Athena Diagnostics Criteria. Collection method: clinical testing. Allele origin: unknown.
Comment: Available data are insufficient to determine the clinical significance of the variant at this time. The frequency of this variant in the general population is uninformative in assessment of its pathogenicity. Computational tools disagree on the variant's effect on normal protein function.

NM_182961.4(SYNE1):c.26279G>A (p.Gly8760Glu)

Genes: ESR1 (estrogen receptor 1; plus strand), SYNE1 (spectrin repeat containing nuclear envelope protein 1; minus strand). Cytogenetic location: 6q25.2.
Variant type: single nucleotide variant.
Coding change: c.26279G>A on transcript NM_182961.4 (MANE Select); coding-DNA position 26279, G replaced by A.
Protein change: p.Gly8760Glu; replaces glycine 8760 with glutamic acid.
Molecular consequence: missense variant. On other transcripts: 3 prime UTR variant (1), intron variant (1).
Genome position (GRCh38, 1-based): chr6:152,122,551, C>T on the plus strand (G>A on the coding strand, the complement: SYNE1 is on the minus strand). VCF-style: chr6-152122551-C-T. GRCh37 (hg19) VCF-style: chr6-152443686-C-T.
Other names: c.*90G>A (NM_001347701.2); c.2813G>A, p.Gly938Glu (NM_001347702.2); c.26135G>A, p.Gly8712Glu (NM_033071.5); c.851-2715C>T (NM_001328100.2); short protein forms G938E, G8712E, G8760E.
Identifiers: ClinVar variation 962272 (VCV000962272.15), dbSNP rs747635401, ClinGen allele CA4052594.